The following is an entry in ClinVar:

NM_198578.4(LRRK2):c.3407T>G (p.Leu1136Arg)

Gene: LRRK2 (leucine rich repeat kinase 2; plus strand). Cytogenetic location: 12q12.
Variant type: single nucleotide variant.
Coding change: c.3407T>G on transcript NM_198578.4 (MANE Select); coding-DNA position 3407, T replaced by G.
Protein change: p.Leu1136Arg; replaces leucine 1136 with arginine.
Molecular consequence: missense variant.
Genome position (GRCh38, 1-based): chr12:40,299,168, T>G. VCF-style: chr12-40299168-T-G. GRCh37 (hg19) VCF-style: chr12-40692970-T-G.
Other names: short protein forms L1136R.
Identifiers: ClinVar variation 1731134 (VCV001731134.2), dbSNP rs1370220562, ClinGen allele CA384415681.

ClinVar aggregate classification (germline): Uncertain significance (1 of 4 stars; one submission).

Conditions:
Inborn genetic diseases. Identifiers: MedGen C0950123, MeSH D030342.

Allele frequency attached by ClinVar (database versions not stated): gnomAD exomes below 0.00001; gnomAD 0.00001.
gnomAD v4.1: 2 of 1,613,426 alleles (0.00012%); highest among the groups gnomAD compares: Non-Finnish European, 0.00017%; no homozygotes.

Submission:

Ambry Genetics
Classification: Uncertain significance for Inborn genetic diseases. Last evaluated: 2021-12-06. Review status: criteria provided, single submitter. Criteria: Ambry Variant Classification Scheme 2023. Collection method: clinical testing. Allele origin: germline.
Comment: The p.L1136R variant (also known as c.3407T>G), located in coding exon 25 of the LRRK2 gene, results from a T to G substitution at nucleotide position 3407. The leucine at codon 1136 is replaced by arginine, an amino acid with dissimilar properties. This amino acid position is conserved. In addition, this alteration is predicted to be deleterious by in silico analysis. Since supporting evidence is limited at this time, the clinical significance of this alteration remains unclear.